The following is an entry in ClinVar:

ClinVar aggregate classification (germline): Conflicting classifications of pathogenicity. Review status: criteria provided, conflicting classifications (1 of 4 stars). 6 submissions from 6 submitters: Pathogenic (3); Likely pathogenic (1); Uncertain significance (1). 1 of the submissions does not count toward it. Last evaluated 2025-06-28.

Conditions:
Isolated hyperchlorhidrosis. Identifiers: Orphanet 542657, MedGen C1840437, MONDO:0007747, OMIM 143860.

Allele frequency attached by ClinVar (database versions not stated): gnomAD 0.00043 and 0.00044; gnomAD exomes 0.00043; ExAC 0.00047; TOPMed 0.00055; ESP Exome Variant Server 0.00077.
gnomAD v4.1: 1,263 of 1,613,098 alleles (0.078%); highest among the groups gnomAD compares: Non-Finnish European, 0.1%; 2 homozygotes.

Submissions (8):

GeneDx
Classification: Pathogenic. Last evaluated: 2025-06-28. Review status: criteria provided, single submitter. Criteria: GeneDx Variant Classification Process June 2021. Collection method: clinical testing. Allele origin: germline. Affected: yes.
Comment: Published functional studies demonstrate that this variant leads to undetectable protein expression compared to wild type protein (PMID: 26911677); Canonical splice site variant predicted to result in a null allele in a gene for which loss of function is a known mechanism of disease; This variant is associated with the following publications: (PMID: 31589614, 35359895, 26911677)

Clinical Genomics Laboratory, Washington University in St. Louis
Classification: Pathogenic for Isolated hyperchlorhidrosis. Last evaluated: 2025-04-14. Review status: criteria provided, single submitter. Criteria: ACMG Guidelines, 2015. Collection method: clinical testing. Allele origin: germline. Affected: yes.
Comment: The CA12 c.908-1G>A variant has been reported in at least one individual affected with hyperchlorhidrosis on the opposite chromosome from a known pathogenic frameshift variant (Lee M et al., PMID: 26911677). This variant has been reported in the ClinVar database as a pathogenic/likely pathogenic variant by four submitters and a variant of uncertain significance by one submitter (ClinVar Variation ID: 218369). The highest population minor allele frequency in the population database genome aggregation database (v.4.1.0) is 0.1% in the European (non-Finnish) population, which lower than the founder allele carrier rate in the Bedouin population (Wallace SE et al.). This variant occurs within the canonical splice acceptor site, which is predicted to cause skipping of the exon, leading to an out of frame transcript. In support of this prediction, experimental studies confirm exon skipping resulting in a predicted nonfunctional transcript (Lee M et al.. PMID: 26911677). Based on available information and the ACMG/AMP guidelines for variant interpretation (Richards S et al., PMID: 257418 68), this variant is classified as pathogenic.

Revvity Omics, Revvity
Classification: Likely pathogenic for Isolated hyperchlorhidrosis. Last evaluated: 2023-03-22. Review status: criteria provided, single submitter. Criteria: ACMG Guidelines, 2015. Collection method: clinical testing. Allele origin: germline.

Garry R Cutting Laboratory, Johns Hopkins University
Classification: Pathogenic for Isolated hyperchlorhidrosis. Last evaluated: 2015-10-20. Review status: criteria provided, single submitter. Criteria: Lee et al. (Hum Mol Genet. 2016). Collection method: research. Allele origin: germline. Affected: yes. Observed: 1 variant allele.

Baylor-Hopkins Center for Mendelian Genomics, Johns Hopkins University School of Medicine
Classification: Uncertain significance for Isolated hyperchlorhidrosis. Review status: criteria provided, single submitter. Criteria: ACMG Guidelines, 2015. Collection method: research. Allele origin: somatic. Inheritance: Autosomal recessive inheritance. Affected: yes. Observed: 2 variant alleles, 1 compound heterozygote.
Comment: Compound Heterozygote

OMIM
Classification: Pathogenic for HYPERCHLORHIDROSIS, ISOLATED. Last evaluated: 2018-08-27. Review status: no assertion criteria provided. Collection method: literature only. Allele origin: germline. Not counted in ClinVar's aggregate classification.

Dr. Peter K. Rogan Lab, Western University
No classification provided (evidence only). Condition: Melanoma. Review status: no classification provided. Collection method: in vitro. Allele origin: not applicable. Functional consequence: skipped exon. Not counted in ClinVar's aggregate classification.

Dr. Peter K. Rogan Lab, Western University
No classification provided (evidence only). Condition: Colon adenocarcinoma. Review status: no classification provided. Collection method: in vitro. Allele origin: not applicable. Functional consequence: retained intron. Not counted in ClinVar's aggregate classification.

Literature cited by the submitters: PubMed 26911677 (cited by OMIM).

NM_001218.5(CA12):c.908-1G>A

Gene: CA12 (carbonic anhydrase 12; minus strand). Cytogenetic location: 15q22.2.
Variant type: single nucleotide variant.
Coding change: c.908-1G>A on transcript NM_001218.5 (MANE Select); the canonical splice acceptor site of the intron before coding-DNA position 908, G replaced by A.
Molecular consequence: splice acceptor variant.
Genome position (GRCh38, 1-based): chr15:63,327,234, C>T on the plus strand (G>A on the coding strand, the complement: CA12 is on the minus strand). VCF-style: chr15-63327234-C-T. GRCh37 (hg19) VCF-style: chr15-63619433-C-T.
Other names: NC_000015.9:g.63619433C>T; IVSAS10, G-A, -1 (rs148438059); c.695-1G>A (NM_001293642.2); c.875-1G>A (NM_206925.3).
Identifiers: ClinVar variation 218369 (VCV000218369.15), dbSNP rs148438059, ClinGen allele CA7602288.